The following is an entry in ClinVar:

NM_006205.3(PDE6H):c.195A>G (p.Pro65=)

Gene: PDE6H (phosphodiesterase 6H; plus strand). Cytogenetic location: 12p12.3.
Variant type: single nucleotide variant.
Coding change: c.195A>G on transcript NM_006205.3 (MANE Select); coding-DNA position 195, A replaced by G.
Protein change: p.Pro65=; no amino-acid change (proline 65 retained).
Molecular consequence: synonymous variant.
Genome position (GRCh38, 1-based): chr12:14,981,419, A>G. VCF-style: chr12-14981419-A-G. GRCh37 (hg19) VCF-style: chr12-15134353-A-G.
Identifiers: ClinVar variation 307782 (VCV000307782.14), dbSNP rs2230872, ClinGen allele CA6465906.
Genomic context (GRCh38, chr12:14,981,419, plus strand): 5'-GGGTGAGGTTGGCTTACGTGCTCTTCTTCCATCTCTTGCAGATATCACAGTGATTTGTCC[A>G]TGGGAGGCATTCAGCCACCTGGAATTGCATGAGCTCGCTCAGTTTGGGATTATCTGAAGT-3'
Protein context (NP_006196.1, residues 55-75): GLGTDITVIC[Pro65=]WEAFSHLELH

ClinVar aggregate classification (germline): Benign. Review status: criteria provided, multiple submitters, no conflicts (2 of 4 stars). 3 submissions from 3 submitters: Benign (3). Last evaluated 2026-02-03.

Conditions:
Achromatopsia 6. Also called: RETINAL CONE DYSTROPHY 3A; CONE DYSTROPHY WITH NIGHT BLINDNESS AND SUPERNORMAL ROD RESPONSES, PDE6H-RELATED. Identifiers: Orphanet 49382, MedGen C1864900, MONDO:0012398, OMIM 610024.

Allele frequency attached by ClinVar (database versions not stated): gnomAD exomes 0.05998 and 0.10539; ESP Exome Variant Server 0.06781; gnomAD 0.08891 and 0.09211; ExAC 0.09816; TOPMed 0.10673; 1000 Genomes Project 30x 0.14741; 1000 Genomes Project 0.15016.

Submissions (3):

Labcorp Genetics (formerly Invitae), Labcorp
Classification: Benign. Last evaluated: 2026-02-03. Review status: criteria provided, single submitter. Criteria: Invitae Variant Classification Sherloc (09022015). Collection method: clinical testing. Allele origin: germline.

Illumina Laboratory Services, Illumina
Classification: Benign for Achromatopsia 6. Last evaluated: 2018-01-12. Review status: criteria provided, single submitter. Criteria: ICSL Variant Classification Criteria 13 December 2019. Collection method: clinical testing. Allele origin: germline.
Comment: This variant was observed in the ICSL laboratory as part of a predisposition screen in an ostensibly healthy population. It had not been previously curated by ICSL or reported in the Human Gene Mutation Database (HGMD: prior to June 1st, 2018), and was therefore a candidate for classification through an automated scoring system. Utilizing variant allele frequency, disease prevalence and penetrance estimates, and inheritance mode, an automated score was calculated to assess if this variant is too frequent to cause the disease. Based on the score and internal cut-off values, a variant classified as benign is not then subjected to further curation. The score for this variant resulted in a classification of benign for this disease.

Breakthrough Genomics
Classification: Benign. Review status: criteria provided, single submitter. Criteria: ACMG Guidelines, 2015. Collection method: not provided. Allele origin: germline. Inheritance: Autosomal dominant inheritance. Affected: yes.